The following is an entry in ClinVar:

NM_177972.3(TUB):c.532G>A (p.Gly178Arg)

Genes: RIC3 (RIC3 acetylcholine receptor chaperone; minus strand), TUB (TUB bipartite transcription factor; plus strand). Cytogenetic location: 11p15.4.
Variant type: single nucleotide variant.
Coding change: c.532G>A on transcript NM_177972.3 (MANE Select); coding-DNA position 532, G replaced by A.
Protein change: p.Gly178Arg; replaces glycine 178 with arginine.
Molecular consequence: missense variant.
Genome position (GRCh38, 1-based): chr11:8,095,632, G>A. VCF-style: chr11-8095632-G-A. GRCh37 (hg19) VCF-style: chr11-8117179-G-A.
Other names: c.697G>A, p.Gly233Arg (NM_003320.5); short protein forms G178R, G233R.
Identifiers: ClinVar variation 960673 (VCV000960673.9), dbSNP rs779206090, ClinGen allele CA5871125.

ClinVar aggregate classification (germline): Uncertain significance (1 of 4 stars; one submission).

Allele frequency attached by ClinVar (database versions not stated): ExAC below 0.00001; gnomAD exomes below 0.00001; TOPMed 0.00002.
gnomAD v4.1: 7 of 1,608,650 alleles (0.00044%); highest among the groups gnomAD compares: East Asian, 0.0045%; no homozygotes.

Submission:

Labcorp Genetics (formerly Invitae), Labcorp
Classification: Uncertain significance. Last evaluated: 2022-05-05. Review status: criteria provided, single submitter. Criteria: Invitae Variant Classification Sherloc (09022015). Collection method: clinical testing. Allele origin: germline.
Comment: In summary, the available evidence is currently insufficient to determine the role of this variant in disease. Therefore, it has been classified as a Variant of Uncertain Significance. Algorithms developed to predict the effect of missense changes on protein structure and function (SIFT, PolyPhen-2, Align-GVGD) all suggest that this variant is likely to be tolerated. ClinVar contains an entry for this variant (Variation ID: 960673). This variant has not been reported in the literature in individuals affected with TUB-related conditions. The frequency data for this variant in the population databases is considered unreliable, as metrics indicate poor data quality at this position in the gnomAD database. This sequence change replaces glycine, which is neutral and non-polar, with arginine, which is basic and polar, at codon 233 of the TUB protein (p.Gly233Arg).